The following is an entry in ClinVar:

NM_022835.3(PLEKHG2):c.1478C>T (p.Pro493Leu)

Gene: PLEKHG2 (pleckstrin homology and RhoGEF domain containing G2; plus strand). Cytogenetic location: 19q13.2.
Variant type: single nucleotide variant.
Coding change: c.1478C>T on transcript NM_022835.3 (MANE Select); coding-DNA position 1478, C replaced by T.
Protein change: p.Pro493Leu; replaces proline 493 with leucine.
Molecular consequence: missense variant.
Genome position (GRCh38, 1-based): chr19:39,421,105, C>T. VCF-style: chr19-39421105-C-T. GRCh37 (hg19) VCF-style: chr19-39911745-C-T.
Other names: c.1301C>T, p.Pro434Leu (NM_001351693.2); c.1478C>T, p.Pro493Leu (NM_001351694.2); short protein forms P434L, P493L.
Identifiers: ClinVar variation 2176344 (VCV002176344.4), dbSNP rs2078692985, ClinGen allele CA405793963.

ClinVar aggregate classification (germline): Uncertain significance (1 of 4 stars; one submission).

Allele frequency attached by ClinVar (database versions not stated): gnomAD exomes below 0.00001; gnomAD 0.00001.
gnomAD v4.1: 8 of 1,613,870 alleles (0.0005%); highest among the groups gnomAD compares: South Asian, 0.0022%; no homozygotes.

Submission:

Labcorp Genetics (formerly Invitae), Labcorp
Classification: Uncertain significance. Last evaluated: 2025-07-07. Review status: criteria provided, single submitter. Criteria: Invitae Variant Classification Sherloc (09022015). Collection method: clinical testing. Allele origin: germline.
Comment: This sequence change replaces proline, which is neutral and non-polar, with leucine, which is neutral and non-polar, at codon 493 of the PLEKHG2 protein (p.Pro493Leu). This variant is not present in population databases (gnomAD no frequency). This variant has not been reported in the literature in individuals affected with PLEKHG2-related conditions. ClinVar contains an entry for this variant (Variation ID: 2176344). An algorithm developed to predict the effect of missense changes on protein structure and function (PolyPhen-2) suggests that this variant is likely to be tolerated. In summary, the available evidence is currently insufficient to determine the role of this variant in disease. Therefore, it has been classified as a Variant of Uncertain Significance.